The following is an entry in ClinVar:

ClinVar aggregate classification (germline): Pathogenic/Likely pathogenic. Review status: criteria provided, multiple submitters, no conflicts (2 of 4 stars). 5 submissions from 5 submitters: Pathogenic (2); Likely pathogenic (2). 1 of the submissions does not count toward it. Last evaluated 2025-10-15.

Conditions:
Polycystic kidney disease 2 (PKD2). Also called: Polycystic Kidney Disease 2, Autosomal Dominant; POLYCYSTIC KIDNEY DISEASE, ADULT, TYPE II; POLYCYSTIC KIDNEY DISEASE 2 WITH OR WITHOUT POLYCYSTIC LIVER DISEASE. Identifiers: MedGen C2751306, MONDO:0013131, OMIM 613095.
Autosomal dominant polycystic kidney disease. Identifiers: Orphanet 730, MedGen C0085413, MONDO:0004691.

Allele frequency attached by ClinVar (database versions not stated): gnomAD exomes below 0.00001; ExAC 0.00001.
gnomAD v4.1: 1 of 1,567,978 alleles (0.000064%); highest among the groups gnomAD compares: South Asian, 0.0011%; no homozygotes.

Submissions (5):

Mayo Clinic Laboratories, Mayo Clinic
Classification: Likely pathogenic. Last evaluated: 2025-10-15. Review status: criteria provided, single submitter. Criteria: ACMG Guidelines, 2015. Collection method: clinical testing. Allele origin: germline. Observed: 1 variant allele.
Comment: PM2_supporting, PS4_supporting, PVS1

Fulgent Genetics
Classification: Pathogenic for Polycystic kidney disease 2. Last evaluated: 2024-04-11. Review status: criteria provided, single submitter. Criteria: ACMG Guidelines, 2015. Collection method: clinical testing. Allele origin: germline.

GeneDx
Classification: Pathogenic. Last evaluated: 2023-07-10. Review status: criteria provided, single submitter. Criteria: GeneDx Variant Classification Process June 2021. Collection method: clinical testing. Allele origin: germline. Affected: yes.
Comment: Observed in individuals with chronic kidney disease in the published literature (Vaisitti et al., 2020; Groopman et al., 2019; Kim et al., 2019); Canonical splice site variant predicted to result in a null allele in a gene for which loss of function is a known mechanism of disease; Not observed at significant frequency in large population cohorts (gnomAD); This variant is associated with the following publications: (PMID: 33226606, 30586318, 31740684)

Labcorp Genetics (formerly Invitae), Labcorp
Classification: Likely pathogenic for Autosomal dominant polycystic kidney disease. Last evaluated: 2021-07-04. Review status: criteria provided, single submitter. Criteria: Invitae Variant Classification Sherloc (09022015). Collection method: clinical testing. Allele origin: germline.
Comment: This sequence change affects a donor splice site in intron 6 of the PKD2 gene. It is expected to disrupt RNA splicing. Variants that disrupt the donor or acceptor splice site typically lead to a loss of protein function (PMID: 16199547), and loss-of-function variants in PKD2 are known to be pathogenic (PMID: 17582161, 22863349). This variant is present in population databases (rs752024467, ExAC 0.006%). Disruption of this splice site has been observed in individual(s) with autosomal dominant polycystic kidney disease (PMID: 31740684). ClinVar contains an entry for this variant (Variation ID: 562283). Algorithms developed to predict the effect of sequence changes on RNA splicing suggest that this variant may disrupt the consensus splice site. In summary, the currently available evidence indicates that the variant is pathogenic, but additional data are needed to prove that conclusively. Therefore, this variant has been classified as Likely Pathogenic.

Gharavi Laboratory, Columbia University
Classification: Likely pathogenic. Last evaluated: 2018-09-16. Review status: no assertion criteria provided. Criteria: ACMG Guidelines, 2015. Collection method: research. Allele origin: germline. Affected: yes. Not counted in ClinVar's aggregate classification.

Literature cited by the submitters: PubMed 30586318 (cited by Mayo Clinic Laboratories, Mayo Clinic); PubMed 31740684 (cited by Mayo Clinic Laboratories, Mayo Clinic and Labcorp Genetics (formerly Invitae), Labcorp); PubMed 33226606 (cited by Mayo Clinic Laboratories, Mayo Clinic); PubMed 16199547 (cited by Labcorp Genetics (formerly Invitae), Labcorp); PubMed 17582161 (cited by Labcorp Genetics (formerly Invitae), Labcorp); PubMed 22863349 (cited by Labcorp Genetics (formerly Invitae), Labcorp).

NM_000297.4(PKD2):c.1548+1G>A

Gene: PKD2 (polycystin 2, transient receptor potential cation channel; plus strand). Cytogenetic location: 4q22.1.
Variant type: single nucleotide variant.
Coding change: c.1548+1G>A on transcript NM_000297.4 (MANE Select); the canonical splice donor site of the intron after coding-DNA position 1548, G replaced by A.
Molecular consequence: splice donor variant.
Genome position (GRCh38, 1-based): chr4:88,046,871, G>A. VCF-style: chr4-88046871-G-A. GRCh37 (hg19) VCF-style: chr4-88968023-G-A.
Identifiers: ClinVar variation 562283 (VCV000562283.11), dbSNP rs752024467, ClinGen allele CA3003966.